The following is an entry in ClinVar:

ClinVar aggregate classification (germline): Uncertain significance. Review status: criteria provided, multiple submitters, no conflicts (2 of 4 stars). 3 submissions from 3 submitters: Uncertain significance (3). Last evaluated 2025-12-18.

Conditions:
Inborn genetic diseases. Identifiers: MedGen C0950123, MeSH D030342.

gnomAD v4.1: 1 of 1,613,832 alleles (0.000062%); no homozygotes.

Submissions (3):

Ambry Genetics
Classification: Uncertain significance for Inborn genetic diseases. Last evaluated: 2025-12-18. Review status: criteria provided, single submitter. Criteria: Ambry Variant Classification Scheme 2023. Collection method: clinical testing. Allele origin: germline.
Comment: The p.I352T variant (also known as c.1055T>C), located in coding exon 1 of the SAMD9 gene, results from a T to C substitution at nucleotide position 1055. The isoleucine at codon 352 is replaced by threonine, an amino acid with similar properties. This amino acid position is conserved. In addition, this alteration is predicted to be tolerated by in silico analysis. Based on the available evidence, the clinical significance of this variant remains unclear.

Labcorp Genetics (formerly Invitae), Labcorp
Classification: Uncertain significance. Last evaluated: 2022-03-20. Review status: criteria provided, single submitter. Criteria: Invitae Variant Classification Sherloc (09022015). Collection method: clinical testing. Allele origin: germline.
Comment: This sequence change replaces isoleucine, which is neutral and non-polar, with threonine, which is neutral and polar, at codon 352 of the SAMD9 protein (p.Ile352Thr). This variant is not present in population databases (gnomAD no frequency). This variant has not been reported in the literature in individuals affected with SAMD9-related conditions. In summary, the available evidence is currently insufficient to determine the role of this variant in disease. Therefore, it has been classified as a Variant of Uncertain Significance. Algorithms developed to predict the effect of missense changes on protein structure and function are either unavailable or do not agree on the potential impact of this missense change (SIFT: "Deleterious"; PolyPhen-2: "Possibly Damaging"; Align-GVGD: "Class C0"). ClinVar contains an entry for this variant (Variation ID: 636864).

Blueprint Genetics
Classification: Uncertain significance. Last evaluated: 2018-11-23. Review status: criteria provided, single submitter. Criteria: ACMG Guidelines, 2015. Collection method: clinical testing. Allele origin: germline.

NM_017654.4(SAMD9):c.1055T>C (p.Ile352Thr)

Gene: SAMD9 (sterile alpha motif domain containing 9; minus strand). Cytogenetic location: 7q21.2.
Variant type: single nucleotide variant.
Coding change: c.1055T>C on transcript NM_017654.4 (MANE Select); coding-DNA position 1055, T replaced by C.
Protein change: p.Ile352Thr; replaces isoleucine 352 with threonine.
Molecular consequence: missense variant.
Genome position (GRCh38, 1-based): chr7:93,105,043, A>G on the plus strand (T>C on the coding strand, the complement: SAMD9 is on the minus strand). VCF-style: chr7-93105043-A-G. GRCh37 (hg19) VCF-style: chr7-92734356-A-G.
Other names: c.1055T>C, p.Ile352Thr (NM_001193307.2); short protein forms I352T.
Identifiers: ClinVar variation 636864 (VCV000636864.7), dbSNP rs1584254441, ClinGen allele CA368202468.